The following is an entry in ClinVar:

ClinVar aggregate classification (germline): Likely benign. Review status: criteria provided, multiple submitters, no conflicts (2 of 4 stars). 2 submissions from 2 submitters: Likely benign (2). Last evaluated 2025-12-01.

Conditions:
Multiple congenital anomalies-hypotonia-seizures syndrome 3 (MCAHS3). Also called: GLYCOSYLPHOSPHATIDYLINOSITOL BIOSYNTHESIS DEFECT 7. Identifiers: Orphanet 369837, MedGen C3809356, MONDO:0014165, OMIM 615398.

Allele frequency attached by ClinVar (database versions not stated): gnomAD exomes 0.00001.

Submissions (2):

CeGaT Center for Human Genetics Tuebingen
Classification: Likely benign. Last evaluated: 2025-12-01. Review status: criteria provided, single submitter. Criteria: CeGaT Center For Human Genetics Tuebingen Variant Classification Criteria Version 2. Collection method: clinical testing. Allele origin: germline. Affected: yes. Observed: 1 variant allele.
Comment: PIGT: BP4, BP7

Labcorp Genetics (formerly Invitae), Labcorp
Classification: Likely benign for Multiple congenital anomalies-hypotonia-seizures syndrome 3. Last evaluated: 2022-09-08. Review status: criteria provided, single submitter. Criteria: Invitae Variant Classification Sherloc (09022015). Collection method: clinical testing. Allele origin: germline.

NM_015937.6(PIGT):c.1284G>A (p.Leu428=)

Gene: PIGT (phosphatidylinositol glycan anchor biosynthesis class T; plus strand). Cytogenetic location: 20q13.12.
Variant type: single nucleotide variant.
Coding change: c.1284G>A on transcript NM_015937.6 (MANE Select); coding-DNA position 1284, G replaced by A.
Protein change: p.Leu428=; no amino-acid change (leucine 428 retained).
Molecular consequence: synonymous variant. On other transcripts: non-coding transcript variant (5).
Genome position (GRCh38, 1-based): chr20:45,424,265, G>A. VCF-style: chr20-45424265-G-A. GRCh37 (hg19) VCF-style: chr20-44052905-G-A.
Other names: c.1116G>A, p.Leu372= (NM_001184728.3); c.1083G>A, p.Leu361= (NM_001184729.3); c.978G>A, p.Leu326= (NM_001184730.3).
Identifiers: ClinVar variation 2084011 (VCV002084011.9), dbSNP rs1442972985, ClinGen allele CA510747437.